The following is an entry in ClinVar:

NM_152618.3(BBS12):c.867_874del (p.Val290fs)

Gene: BBS12 (Bardet-Biedl syndrome 12; plus strand). Cytogenetic location: 4q27.
Variant type: Deletion.
Coding change: c.867_874del on transcript NM_152618.3 (MANE Select); coding-DNA positions 867 to 874, 8 bases deleted (AGTACAGC; older notation c.867_874delAGTACAGC).
Protein change: p.Val290fs; shifts the reading frame from valine 290.
Molecular consequence: frameshift variant.
Genome position (GRCh38, 1-based): chr4:122,742,759-122,742,766, AGTACAGC deleted; deleting any 8 consecutive bases within chr4:122,742,756-122,742,766 gives the same sequence; the c. name uses the placement nearest the transcript's 3' end. VCF-style (leftmost placement, unchanged base first): chr4-122742755-AAGCAGTAC-A. GRCh37 (hg19) VCF-style: chr4-123663910-AAGCAGTAC-A.
Other names: c.867_874del, p.Val290fs (NM_001178007.2); short protein forms V290fs.
Identifiers: ClinVar variation 1074975 (VCV001074975.5), dbSNP rs2150736605, ClinGen allele CA2499217070.

ClinVar aggregate classification (germline): Pathogenic (1 of 4 stars; one submission).

Conditions:
Bardet-Biedl syndrome (BBS). Identifiers: Orphanet 110, MedGen C0752166, MONDO:0015229.

Submission:

Labcorp Genetics (formerly Invitae), Labcorp
Classification: Pathogenic for Bardet-Biedl syndrome. Last evaluated: 2026-01-05. Review status: criteria provided, single submitter. Criteria: Invitae Variant Classification Sherloc (09022015). Collection method: clinical testing. Allele origin: germline.
Comment: This sequence change creates a premature translational stop signal (p.Val290Alafs*19) in the BBS12 gene. While this is not anticipated to result in nonsense mediated decay, it is expected to disrupt the last 421 amino acid(s) of the BBS12 protein. This variant is not present in population databases (gnomAD no frequency). This variant has not been reported in the literature in individuals affected with BBS12-related conditions. ClinVar contains an entry for this variant (Variation ID: 1074975). This variant disrupts a region of the BBS12 protein in which other variant(s) (p.Asp687Valfs*3) have been determined to be pathogenic (internal data). This suggests that this is a clinically significant region of the protein, and that variants that disrupt it are likely to be disease-causing. For these reasons, this variant has been classified as Pathogenic.